The following is an entry in ClinVar:

NM_000179.3(MSH6):c.4001+4_4001+8dup

Gene: MSH6 (mutS homolog 6; plus strand). Cytogenetic location: 2p16.3.
Variant type: Duplication.
Coding change: c.4001+4_4001+8dup on transcript NM_000179.3 (MANE Select); bases 4 to 8 of the intron after coding-DNA position 4001, 5 bases duplicated (ACTAA; older notation c.4001+4_4001+8dupACTAA).
Molecular consequence: intron variant.
Genome position (GRCh38, 1-based): chr2:47,806,655-47,806,659, ACTAA duplicated; duplicating any 5 consecutive bases within chr2:47,806,654-47,806,659 gives the same sequence; the c. name uses the placement nearest the transcript's 3' end. VCF-style (leftmost placement, unchanged base first): chr2-47806653-T-TAACTA. GRCh37 (hg19) VCF-style: chr2-48033792-T-TAACTA.
Other names: c.4001+4_4001+8dupACTAA (NM_000179.3, NM_000179.2); c.3095+4_3095+8dup (NM_001281493.2, NM_001281494.2); c.3611+4_3611+8dup (NM_001281492.2).
Identifiers: ClinVar variation 142961 (VCV000142961.32), dbSNP rs587782853, ClinGen allele CA015184.
Genomic context (GRCh38, chr2:47,806,653, plus strand): 5'-AAGGGACATAGAAAAGCAAGAGAATTTGAGAAGATGAATCAGTCACTACGATTATTTCGG[T>TAACTA]AACTAACTAACTATAATGGAATTATAACTAACTGACCTTAAGTTTCAAAGAAACAGTAAA-3'

ClinVar aggregate classification (germline): Benign/Likely benign. Review status: criteria provided, multiple submitters, no conflicts (2 of 4 stars). 12 submissions from 12 submitters: Benign (2); Likely benign (7). 3 of the submissions do not count toward it. Last evaluated 2026-02-01.

Conditions:
MSH6-related disorder. Also called: MSH6-Related disorders; MSH6-related condition.
Hereditary nonpolyposis colorectal neoplasms. Identifiers: MedGen C0009405, MeSH D003123.
Hereditary cancer-predisposing syndrome. Also called: Neoplastic Syndromes, Hereditary; Hereditary Cancer Syndrome; Tumor predisposition; Hereditary neoplastic syndrome. Identifiers: Orphanet 140162, MedGen C0027672, MeSH D009386, MONDO:0015356.
Lynch syndrome 5 (LYNCH5). Also called: Colorectal cancer, hereditary nonpolyposis, type 5; Hereditary non-polyposis colorectal cancer, type 5. Identifiers: Orphanet 144, MedGen C1833477, MONDO:0013710, OMIM 614350. Disease mechanism: loss of function.

Submissions (12):

Labcorp Genetics (formerly Invitae), Labcorp
Classification: Likely benign for Hereditary nonpolyposis colorectal neoplasms. Last evaluated: 2026-02-01. Review status: criteria provided, single submitter. Criteria: Invitae Variant Classification Sherloc (09022015). Collection method: clinical testing. Allele origin: germline.

Myriad Genetics, Inc.
Classification: Benign for Lynch syndrome 5. Last evaluated: 2025-01-08. Review status: criteria provided, single submitter. Criteria: Myriad Autosomal Dominant, Autosomal Recessive and X-Linked Classification Criteria (2023). Collection method: clinical testing. Allele origin: unknown.
Comment: This variant is considered benign. This variant is intronic and is not expected to impact mRNA splicing. This variant is strongly associated with less severe personal and family histories of cancer, typical for individuals without pathogenic variants in this gene [PMID: 27363726].

Blueprint Genetics
Classification: Likely benign. Last evaluated: 2024-06-19. Review status: criteria provided, single submitter. Criteria: ACMG Guidelines, 2015. Collection method: clinical testing. Allele origin: germline.

Women's Health and Genetics/Laboratory Corporation of America, LabCorp
Classification: Likely benign. Last evaluated: 2023-12-29. Review status: criteria provided, single submitter. Criteria: LabCorp Variant Classification Summary - May 2015. Collection method: clinical testing. Allele origin: germline.
Comment: Variant summary: MSH6 c.4001+4_4001+8dupACTAA alters a non-conserved nucleotide located close to a canonical splice site and therefore could affect mRNA splicing, leading to a significantly altered protein sequence. Consensus agreement among computation tools predict no significant impact on normal splicing. However, these predictions have yet to be confirmed by functional studies. The variant allele was found at a frequency of 5.1e-05 in 1600866 control chromosomes (gnomAD). This frequency is not significantly higher than estimated for a pathogenic variant in MSH6 causing Lynch Syndrome (5.1e-05 vs 0.00014), allowing no conclusion about variant significance. c.4001+4_4001+8dupACTAA has been reported in the literature at-least one hereditary cancer sample (example: Watson_2013). This report does not provide unequivocal conclusions about association of the variant with Lynch Syndrome. To our knowledge, no experimental evidence demonstrating an impact on protein function has been reported. The following publication has been ascertained in the context of this evaluation (PMID: 24307375). Seven submitters have cited clinical-significance assessments for this variant to ClinVar after 2014. All submitters classified the variant as benign/likely benign. Based on the evidence outlined above, the variant was classified as likely benign.

Quest Diagnostics Nichols Institute San Juan Capistrano
Classification: Likely benign. Last evaluated: 2020-04-08. Review status: criteria provided, single submitter. Criteria: Quest Diagnostics criteria. Collection method: clinical testing. Allele origin: unknown.

Ambry Genetics
Classification: Likely benign for Hereditary cancer-predisposing syndrome. Last evaluated: 2019-10-01. Review status: criteria provided, single submitter. Criteria: Ambry Variant Classification Scheme 2023. Collection method: clinical testing. Allele origin: germline.

Mendelics
Classification: Likely benign for Lynch syndrome 5. Last evaluated: 2019-05-28. Review status: criteria provided, single submitter. Criteria: Mendelics Assertion Criteria 2017. Collection method: clinical testing. Allele origin: unknown.

Color Diagnostics, LLC DBA Color Health
Classification: Likely benign for Hereditary cancer-predisposing syndrome. Last evaluated: 2016-12-13. Review status: criteria provided, single submitter. Criteria: ACMG Guidelines, 2015. Collection method: clinical testing. Allele origin: germline.

GeneDx
Classification: Benign for Neoplastic Syndromes, Hereditary. Last evaluated: 2014-09-17. Review status: criteria provided, single submitter. Criteria: GeneDx Variant Classification (06012015). Collection method: clinical testing. Allele origin: germline. Affected: yes.
Comment: The variant is found in BR-OV-HEREDIC panel(s).

PreventionGenetics, part of Exact Sciences
Classification: Likely benign for MSH6-related condition. Last evaluated: 2024-03-19. Review status: no assertion criteria provided. Collection method: clinical testing. Allele origin: germline. Not counted in ClinVar's aggregate classification.
Comment: This variant is classified as likely benign based on ACMG/AMP sequence variant interpretation guidelines (Richards et al. 2015 PMID: 25741868, with internal and published modifications).

Counsyl
Classification: Likely benign for Lynch syndrome 5. Last evaluated: 2016-10-11. Review status: no assertion criteria provided. Collection method: clinical testing. Allele origin: unknown. Not counted in ClinVar's aggregate classification.

Department of Pathology and Laboratory Medicine, Sinai Health System
Classification: Uncertain significance. Review status: no assertion criteria provided. Collection method: clinical testing. Allele origin: unknown. Affected: yes. Study: The Canadian Open Genetics Repository (COGR). Not counted in ClinVar's aggregate classification.
Comment: The MSH6 c.4001+4_4001+8dup variant was identified in 1 of 256 proband chromosomes (frequency: 0.004) from individuals or families with hereditary cancer (Watson 2013). The variant was also identified in dbSNP (ID: rs781320845) as â€šÃ„Ãºotherâ€šÃ„Ã¹, Clinvitae database (conflicting interpretations of pathogenicity), ClinVar database (as uncertain significance by Ambry Genetics, likely benign by Invitae, benign by GeneDx) and UMD (1x with an â€šÃ„Ãºunclassified variantâ€šÃ„Ã¹ classification). The variant was not identified in GeneInsight - COGR database, InSiGHT Colon Cancer Gene Variant Database (LOVD), Zhejiang Colon Cancer Database (LOVD), â€šÃ„ÃºMismatch Repair Genes Variant Databaseâ€šÃ„Ã¹, â€šÃ„ÃºMMR Gene Unclassified Variants Databaseâ€šÃ„Ã¹ . The variant was identified in the Exome Aggregation Consortium database (August 8, 2016) in 4 of 111884 chromosomes (freq. 3.58x10-5) in the following populations: European (Non-Finnish) in 4 of 61054 but was not seen in African, East Asian, Finnish, Latino, Other or South Asian populations. The c.4001+4_4001+8dup variant is located in the 5' splice region but does not affect the invariant +1 and +2 positions. However, positions +3 to +6 are part of the splicing consensus sequence and variants involving these positions sometimes affect splicing. However, in silico or computational prediction software programs (SpliceSiteFinder, MaxEntScan, NNSPLICE, GeneSplicer, HumanSpliceFinder) do not predict a difference in splicing. In summary, based on the above information, the clinical significance of this variant cannot be determined with certainty at this time. This variant is classified as a variant of uncertain significance.

Literature cited by the submitters: PubMed 27363726 (cited by Myriad Genetics, Inc.); PubMed 24307375 (cited by 3 submitters).